The following is an entry in ClinVar:

NM_001267550.2(TTN):c.70571C>G (p.Thr23524Arg)

Genes: TTN (titin; minus strand), TTN-AS1 (TTN antisense RNA 1; plus strand), LOC126806422 (BRD4-independent group 4 enhancer GRCh37_chr2:179440205-179441404; plus strand). Cytogenetic location: 2q31.2.
Variant type: single nucleotide variant.
Coding change: c.70571C>G on transcript NM_001267550.2 (MANE Select); coding-DNA position 70571, C replaced by G.
Protein change: p.Thr23524Arg; replaces threonine 23524 with arginine.
Molecular consequence: missense variant.
Genome position (GRCh38, 1-based): chr2:178,575,561, G>C on the plus strand (C>G on the coding strand, the complement: TTN is on the minus strand). VCF-style: chr2-178575561-G-C. GRCh37 (hg19) VCF-style: chr2-179440288-G-C.
Other names: c.65648C>G, p.Thr21883Arg (NM_001256850.1); c.43376C>G, p.Thr14459Arg (NM_003319.4); c.62867C>G, p.Thr20956Arg (NM_133378.4); c.43751C>G, p.Thr14584Arg (NM_133432.3); c.43952C>G, p.Thr14651Arg (NM_133437.4); short protein forms T14459R, T14651R, T21883R, T23524R, T20956R, T14584R.
Identifiers: ClinVar variation 4088243 (VCV004088243.1).

ClinVar aggregate classification (germline): Uncertain significance (1 of 4 stars; one submission).

gnomAD v4.1: 1 of 1,613,634 alleles (0.000062%); highest among the groups gnomAD compares: South Asian, 0.0011%; no homozygotes.

Submission:

GeneDx
Classification: Uncertain significance. Last evaluated: 2025-03-25. Review status: criteria provided, single submitter. Criteria: GeneDx Variant Classification Process June 2021. Collection method: clinical testing. Allele origin: germline. Affected: yes.
Comment: Not observed at significant frequency in large population cohorts (gnomAD); Missense variant in a gene in which most reported pathogenic variants are truncating/loss of function; Has not been previously published as pathogenic or benign to our knowledge